The following is an entry in ClinVar:

ClinVar aggregate classification (germline): Pathogenic (1 of 4 stars; one submission).

Conditions:
Neurofibromatosis, type 1 (NF1). Also called: VON RECKLINGHAUSEN DISEASE; Peripheral type neurofibromatosis; NEUROFIBROMATOSIS, TYPE I, SOMATIC; Neurofibromatosis, type I. Identifiers: Orphanet 636, MedGen C0027831, MONDO:0018975, OMIM 162200. Disease mechanism: loss of function.

Submission:

Labcorp Genetics (formerly Invitae), Labcorp
Classification: Pathogenic for Neurofibromatosis, type 1. Last evaluated: 2020-09-26. Review status: criteria provided, single submitter. Criteria: Invitae Variant Classification Sherloc (09022015). Collection method: clinical testing. Allele origin: germline.
Comment: This sequence change creates a premature translational stop signal (p.Phe2629Leufs*6) in the NF1 gene. It is expected to result in an absent or disrupted protein product. This variant is not present in population databases (ExAC no frequency). For these reasons, this variant has been classified as Pathogenic. Loss-of-function variants in NF1 are known to be pathogenic (PMID: 10712197, 23913538). This variant has not been reported in the literature in individuals with NF1-related conditions.

Literature cited by the submitters: PubMed 10712197; PubMed 23913538.

NM_001042492.3(NF1):c.7948_7958del (p.Phe2650fs)

Gene: NF1 (neurofibromin 1; plus strand). Cytogenetic location: 17q11.2.
Variant type: Deletion.
Coding change: c.7948_7958del on transcript NM_001042492.3 (MANE Select); coding-DNA positions 7948 to 7958, 11 bases deleted (TTTCCCAAAGT).
Protein change: p.Phe2650fs; shifts the reading frame from phenylalanine 2650.
Molecular consequence: frameshift variant.
Genome position (GRCh38, 1-based): chr17:31,357,347-31,357,357, TTTCCCAAAGT deleted. VCF-style (leftmost placement, unchanged base first): chr17-31357346-GTTTCCCAAAGT-G. GRCh37 (hg19) VCF-style: chr17-29684364-GTTTCCCAAAGT-G.
Other names: c.7885_7895delTTTCCCAAAGT, p.Phe2629Leufs (NM_000267.4); short protein forms F2629fs, F2650fs.
Identifiers: ClinVar variation 1069796 (VCV001069796.5), dbSNP rs2151583407, ClinGen allele CA2499224247.
Genomic context (GRCh38, chr17:31,357,346, plus strand): 5'-TACCACAGATGAGTTTGATCAACGAATTCTTTATGAATACTTAGCAGAGGCCAGTGTTGT[GTTTCCCAAAGT>G]CTTTCCTGTTGTGTAAGTATCTCCTTTTGATTTTAATTCACCTTCGTGCCTGTCTTTAAG-3'